The following is an entry in ClinVar:

ClinVar aggregate classification (germline): Benign/Likely benign. Review status: criteria provided, multiple submitters, no conflicts (2 of 4 stars). 2 submissions from 2 submitters: Benign (1); Likely benign (1). Last evaluated 2025-12-23.

Conditions:
TNS2-related disorder. Also called: TNS2-related condition.

Allele frequency attached by ClinVar (database versions not stated): gnomAD exomes 0.00023; ExAC 0.00057; 1000 Genomes Project 30x 0.00078; gnomAD 0.00017; 1000 Genomes Project 0.00100.
gnomAD v4.1: 375 of 1,612,798 alleles (0.023%); highest among the groups gnomAD compares: South Asian, 0.37%; 3 homozygotes.

Submissions (2):

PreventionGenetics, part of Exact Sciences
Classification: Likely benign for TNS2-related condition. Last evaluated: 2025-12-23. Review status: criteria provided, single submitter. Criteria: ACMG Guidelines, 2015. Collection method: clinical testing. Allele origin: germline.
Comment: This variant is classified as likely benign based on ACMG/AMP sequence variant interpretation guidelines (Richards et al. 2015 PMID: 25741868, with internal and published modifications).

Labcorp Genetics (formerly Invitae), Labcorp
Classification: Benign. Last evaluated: 2025-12-18. Review status: criteria provided, single submitter. Criteria: Invitae Variant Classification Sherloc (09022015). Collection method: clinical testing. Allele origin: germline.

NM_170754.4(TNS2):c.2322C>T (p.Pro774=)

Gene: TNS2 (tensin 2; plus strand). Cytogenetic location: 12q13.13.
Variant type: single nucleotide variant.
Coding change: c.2322C>T on transcript NM_170754.4 (MANE Select); coding-DNA position 2322, C replaced by T.
Protein change: p.Pro774=; no amino-acid change (proline 774 retained).
Molecular consequence: synonymous variant.
Genome position (GRCh38, 1-based): chr12:53,059,963, C>T. VCF-style: chr12-53059963-C-T. GRCh37 (hg19) VCF-style: chr12-53453747-C-T.
Other names: c.2322C>T, p.Pro774= (NM_001416202.1); c.2280C>T, p.Pro760= (NM_001416203.1); c.2349C>T, p.Pro783= (NM_001416204.1); c.2253C>T, p.Pro751= (NM_015319.3); c.1950C>T, p.Pro650= (NM_198316.2); c.2352C>T (NM_015319.2).
Identifiers: ClinVar variation 2077432 (VCV002077432.5), dbSNP rs553620917, ClinGen allele CA6592571.